The following is an entry in ClinVar:

ClinVar aggregate classification (germline): Likely benign. Review status: criteria provided, multiple submitters, no conflicts (2 of 4 stars). 4 submissions from 4 submitters: Likely benign (3). 1 of the submissions does not count toward it. Last evaluated 2025-12-08.

Conditions:
VPS13B-related disorder. Also called: VPS13B-related condition.
Cohen syndrome (COH1). Also called: PEPPER SYNDROME; Cutis verticis gyrata, retinitis pigmentosa, and sensorineural deafness. Identifiers: Orphanet 193, MedGen C0265223, MONDO:0008999, OMIM 216550.

Allele frequency attached by ClinVar (database versions not stated): gnomAD 0.00001; TOPMed 0.00001.
gnomAD v4.1: 22 of 1,613,666 alleles (0.0014%); highest among the groups gnomAD compares: Middle Eastern, 0.21%; no homozygotes.

Submissions (4):

Labcorp Genetics (formerly Invitae), Labcorp
Classification: Likely benign for Cohen syndrome. Last evaluated: 2025-12-08. Review status: criteria provided, single submitter. Criteria: Invitae Variant Classification Sherloc (09022015). Collection method: clinical testing. Allele origin: germline.

Blueprint Genetics
Classification: Likely benign. Last evaluated: 2022-10-07. Review status: criteria provided, single submitter. Criteria: ACMG Guidelines, 2015. Collection method: clinical testing. Allele origin: germline.

Genetic Services Laboratory, University of Chicago
Classification: Likely benign. Last evaluated: 2017-03-21. Review status: criteria provided, single submitter. Criteria: ACMG Guidelines, 2015. Collection method: clinical testing. Allele origin: germline. Affected: no.

PreventionGenetics, part of Exact Sciences
Classification: Likely benign for VPS13B-related condition. Last evaluated: 2024-04-23. Review status: no assertion criteria provided. Collection method: clinical testing. Allele origin: germline. Not counted in ClinVar's aggregate classification.
Comment: This variant is classified as likely benign based on ACMG/AMP sequence variant interpretation guidelines (Richards et al. 2015 PMID: 25741868, with internal and published modifications).

NM_152564.5(VPS13B):c.11355C>T (p.Ile3785=)

Gene: VPS13B (vacuolar protein sorting 13 homolog B; plus strand). Cytogenetic location: 8q22.2.
Variant type: single nucleotide variant.
Coding change: c.11355C>T on transcript NM_152564.5 (MANE Select); coding-DNA position 11355, C replaced by T.
Protein change: p.Ile3785=; no amino-acid change (isoleucine 3785 retained).
Molecular consequence: synonymous variant.
Genome position (GRCh38, 1-based): chr8:99,868,428, C>T. VCF-style: chr8-99868428-C-T. GRCh37 (hg19) VCF-style: chr8-100880656-C-T.
Other names: c.11430C>T, p.Ile3810= (NM_017890.5); c.11355C>T (NM_152564.4).
Identifiers: ClinVar variation 437249 (VCV000437249.16), dbSNP rs865965849, ClinGen allele CA182328695.